The following is an entry in ClinVar:

ClinVar aggregate classification (germline): Uncertain significance (1 of 4 stars; one submission).

Submission:

GeneDx
Classification: Uncertain significance. Last evaluated: 2022-03-07. Review status: criteria provided, single submitter. Criteria: GeneDx Variant Classification Process June 2021. Collection method: clinical testing. Allele origin: germline. Affected: yes.
Comment: Not observed at significant frequency in large population cohorts (gnomAD); In silico analysis supports that this missense variant has a deleterious effect on protein structure/function; Has not been previously published as pathogenic or benign to our knowledge

NM_001244008.2(KIF1A):c.2369C>T (p.Pro790Leu)

Gene: KIF1A (kinesin family member 1A; minus strand). Cytogenetic location: 2q37.3.
Variant type: single nucleotide variant.
Coding change: c.2369C>T on transcript NM_001244008.2 (MANE Select); coding-DNA position 2369, C replaced by T.
Protein change: p.Pro790Leu; replaces proline 790 with leucine.
Molecular consequence: missense variant.
Genome position (GRCh38, 1-based): chr2:240,760,740, G>A on the plus strand (C>T on the coding strand, the complement: KIF1A is on the minus strand). VCF-style: chr2-240760740-G-A. GRCh37 (hg19) VCF-style: chr2-241700157-G-A.
Other names: c.2369C>T, p.Pro790Leu (NM_001320705.2, NM_001330289.2, NM_001379638.1); c.2444C>T, p.Pro815Leu (NM_001330290.2, NM_001379631.1, NM_001379634.1 and 2 more transcripts); c.2342C>T, p.Pro781Leu (NM_001379632.1, NM_001379633.1, NM_001379636.1 and 11 more transcripts); c.2417C>T, p.Pro806Leu (NM_001379637.1, NM_001379648.1); short protein forms P781L, P790L, P806L, P815L.
Identifiers: ClinVar variation 1704955 (VCV001704955.2), dbSNP rs2537598731, ClinGen allele CA351324779.
Genomic context (GRCh38, chr2:240,760,740, plus strand): 5'-GTCCAGTAGTGGGTGGCCCCGTTCTTCTGGTCCTGGACCTCCACGGCCACAATGGTGCGG[G>A]GGAAGGGCCGCGTCTCTCGGTCTTTGGCGGCCTCTGGGGGCAGCAGGTCGGGTGGCAGAG-3'
Protein context (NP_001230937.1, residues 780-800): AAKDRETRPF[Pro790Leu]RTIVAVEVQD